The following is an entry in ClinVar:

NM_198506.5(LRIT3):c.1639G>A (p.Gly547Ser)

Gene: LRIT3 (leucine rich repeat, Ig-like and transmembrane domains 3; plus strand). Cytogenetic location: 4q25.
Variant type: single nucleotide variant.
Coding change: c.1639G>A on transcript NM_198506.5 (MANE Select); coding-DNA position 1639, G replaced by A.
Protein change: p.Gly547Ser; replaces glycine 547 with serine.
Molecular consequence: missense variant.
Genome position (GRCh38, 1-based): chr4:109,870,388, G>A. VCF-style: chr4-109870388-G-A. GRCh37 (hg19) VCF-style: chr4-110791544-G-A.
Other names: c.1504G>A (NM_198506.2); short protein forms G547S.
Identifiers: ClinVar variation 848289 (VCV000848289.8), dbSNP rs372469348, ClinGen allele CA3043231.

ClinVar aggregate classification (germline): Conflicting classifications of pathogenicity. Review status: criteria provided, conflicting classifications (1 of 4 stars). 3 submissions from 3 submitters: Uncertain significance (2); Likely benign (1). Last evaluated 2025-09-25.

Conditions:
Inborn genetic diseases. Identifiers: MedGen C0950123, MeSH D030342.

Allele frequency attached by ClinVar (database versions not stated): gnomAD exomes 0.00010 and 0.00027; ExAC 0.00011; TOPMed 0.00011; gnomAD 0.00014 and 0.00015; ESP Exome Variant Server 0.00023.

Submissions (3):

Ambry Genetics
Classification: Uncertain significance for Inborn genetic diseases. Last evaluated: 2025-09-25. Review status: criteria provided, single submitter. Criteria: Ambry Variant Classification Scheme 2023. Collection method: clinical testing. Allele origin: germline.

Labcorp Genetics (formerly Invitae), Labcorp
Classification: Uncertain significance. Last evaluated: 2024-11-05. Review status: criteria provided, single submitter. Criteria: Invitae Variant Classification Sherloc (09022015). Collection method: clinical testing. Allele origin: germline.
Comment: This sequence change replaces glycine, which is neutral and non-polar, with serine, which is neutral and polar, at codon 547 of the LRIT3 protein (p.Gly547Ser). This variant is present in population databases (rs372469348, gnomAD 0.02%). This variant has not been reported in the literature in individuals affected with LRIT3-related conditions. ClinVar contains an entry for this variant (Variation ID: 848289). An algorithm developed to predict the effect of missense changes on protein structure and function (PolyPhen-2) suggests that this variant is likely to be disruptive. In summary, the available evidence is currently insufficient to determine the role of this variant in disease. Therefore, it has been classified as a Variant of Uncertain Significance.

Blueprint Genetics
Classification: Likely benign. Last evaluated: 2024-07-22. Review status: criteria provided, single submitter. Criteria: ACMG Guidelines, 2015. Collection method: clinical testing. Allele origin: germline.